The following is an entry in ClinVar:

NM_015100.4(POGZ):c.2674G>A (p.Ala892Thr)

Gene: POGZ (pogo transposable element derived with ZNF domain; minus strand). Cytogenetic location: 1q21.3.
Variant type: single nucleotide variant.
Coding change: c.2674G>A on transcript NM_015100.4 (MANE Select); coding-DNA position 2674, G replaced by A.
Protein change: p.Ala892Thr; replaces alanine 892 with threonine.
Molecular consequence: missense variant.
Genome position (GRCh38, 1-based): chr1:151,406,361, C>T on the plus strand (G>A on the coding strand, the complement: POGZ is on the minus strand). VCF-style: chr1-151406361-C-T. GRCh37 (hg19) VCF-style: chr1-151378837-C-T.
Other names: c.2647G>A, p.Ala883Thr (NM_001194937.2); c.2488G>A, p.Ala830Thr (NM_001194938.2); c.2695G>A, p.Ala899Thr (NM_001410860.1); c.2389G>A, p.Ala797Thr (NM_145796.4); c.2515G>A, p.Ala839Thr (NM_207171.2); short protein forms A797T, A830T, A839T, A883T, A892T, A899T.
Identifiers: ClinVar variation 2500578 (VCV002500578.1), dbSNP rs1571327878, ClinGen allele CA341949587.

ClinVar aggregate classification (germline): Uncertain significance (1 of 4 stars; one submission).

Allele frequency attached by ClinVar (database versions not stated): TOPMed below 0.00001.
gnomAD v4.1: 2 of 1,593,086 alleles (0.00013%); highest among the groups gnomAD compares: Non-Finnish European, 0.000085%; no homozygotes.

Submission:

GeneDx
Classification: Uncertain significance. Last evaluated: 2022-10-31. Review status: criteria provided, single submitter. Criteria: GeneDx Variant Classification Process June 2021. Collection method: clinical testing. Allele origin: germline. Affected: yes.
Comment: Not observed at significant frequency in large population cohorts (gnomAD); In silico analysis supports that this missense variant does not alter protein structure/function; Has not been previously published as pathogenic or benign to our knowledge